The following is an entry in ClinVar:

NM_000143.4(FH):c.1237-2A>G

Gene: FH (fumarate hydratase; minus strand). Cytogenetic location: 1q43.
Variant type: single nucleotide variant.
Coding change: c.1237-2A>G on transcript NM_000143.4 (MANE Select); the canonical splice acceptor site of the intron before coding-DNA position 1237, A replaced by G.
Molecular consequence: splice acceptor variant.
Genome position (GRCh38, 1-based): chr1:241,500,592, T>C on the plus strand (A>G on the coding strand, the complement: FH is on the minus strand). VCF-style: chr1-241500592-T-C. GRCh37 (hg19) VCF-style: chr1-241663892-T-C.
Identifiers: ClinVar variation 1322912 (VCV001322912.4), dbSNP rs2147913407, ClinGen allele CA345436977.
Genomic context (GRCh38, chr1:241,500,592, plus strand): 5'-TCTGTAAAGGAAACTGAAGCATCCCCCAGCAGCCTGGCTGAGTGTAACACATTTTTAATC[T>C]TTGAGTGAGTGAGAGAGAGAGAGAGAGAGAGAGAGAGAGAGAGAGAGACATTACTAAGGC-3'

ClinVar aggregate classification (germline): Pathogenic (1 of 4 stars; one submission).

Conditions:
Hereditary cancer-predisposing syndrome. Also called: Hereditary neoplastic syndrome; Neoplastic Syndromes, Hereditary; Tumor predisposition; Hereditary Cancer Syndrome. Identifiers: Orphanet 140162, MedGen C0027672, MeSH D009386, MONDO:0015356.

Submission:

Ambry Genetics
Classification: Pathogenic for Hereditary cancer-predisposing syndrome. Last evaluated: 2023-04-04. Review status: criteria provided, single submitter. Criteria: Ambry Variant Classification Scheme 2023. Collection method: clinical testing. Allele origin: germline.
Comment: The c.1237-2A>G intronic pathogenic mutation results from an A to G substitution two nucleotides upstream from coding exon 9 in the FH gene. This nucleotide position is highly conserved in available vertebrate species. In silico splice site analysis predicts that this alteration will weaken the native splice acceptor site and will result in the creation or strengthening of a novel splice acceptor site. RNA studies have demonstrated that this alteration results in abnormal splicing in the set of samples tested (Ambry internal data). This alteration has been observed in multiple individuals with a personal and/or family history that is consistent with FH-related disease including those with documented reduced FH enzyme activity (Ambry internal data; Muller M et al. Clin Genet, 2017 Dec;92:606-615; Gardie B et al. J Med Genet, 2011 Apr;48:226-34). This variant is also designated as FH c.1108-2A>G in the literature. This variant is considered to be rare based on population cohorts in the Genome Aggregation Database (gnomAD). Alterations that disrupt the canonical splice site are expected to cause aberrant splicing, resulting in an abnormal protein or a transcript that is subject to nonsense-mediated mRNA decay. As such, this alteration is classified as a disease-causing mutation.

Literature cited by the submitters: PubMed 21398687; PubMed 28300276.